The following is an entry in ClinVar:

NM_016169.4(SUFU):c.1121A>G (p.Asn374Ser)

Gene: SUFU (SUFU negative regulator of hedgehog signaling; plus strand). Cytogenetic location: 10q24.32.
Variant type: single nucleotide variant.
Coding change: c.1121A>G on transcript NM_016169.4 (MANE Select); coding-DNA position 1121, A replaced by G.
Protein change: p.Asn374Ser; replaces asparagine 374 with serine.
Molecular consequence: missense variant.
Genome position (GRCh38, 1-based): chr10:102,615,366, A>G. VCF-style: chr10-102615366-A-G. GRCh37 (hg19) VCF-style: chr10-104375123-A-G.
Other names: c.1121A>G, p.Asn374Ser (NM_001178133.2); short protein forms N374S.
Identifiers: ClinVar variation 965095 (VCV000965095.14), dbSNP rs1265012285, ClinGen allele CA377914345.
Genomic context (GRCh38, chr10:102,615,366, plus strand): 5'-CCATCATTCCCCATGAGCTGATTCGCACGCGGCAGCTTGAGAGCGTACATCTGAAATTCA[A>G]CCAGGAGTCCGGAGCCCTCATTCCTCTCTGCCTAAGGTGAGCGAGACAGCCCTGCCACAC-3'
Protein context (NP_057253.2, residues 364-384): RQLESVHLKF[Asn374Ser]QESGALIPLC

ClinVar aggregate classification (germline): Conflicting classifications of pathogenicity. Review status: criteria provided, conflicting classifications (1 of 4 stars). 3 submissions from 3 submitters: Uncertain significance (2); Benign (1). Last evaluated 2025-02-26.

Conditions:
Hereditary cancer-predisposing syndrome. Also called: Hereditary neoplastic syndrome; Hereditary Cancer Syndrome; Tumor predisposition; Neoplastic Syndromes, Hereditary. Identifiers: Orphanet 140162, MedGen C0027672, MeSH D009386, MONDO:0015356.
Medulloblastoma (MDB). Also called: Medulloblastoma, somatic; MEDULLOBLASTOMA PREDISPOSITION SYNDROME. Identifiers: Orphanet 616, MedGen C0025149, MeSH D008527, MONDO:0007959, OMIM 155255, HP:0002885.
Gorlin syndrome. Also called: Nevoid Basal Cell Carcinoma Syndrome; Basal cell nevus syndrome. Identifiers: Orphanet 377, MedGen C0004779, MONDO:0007187.
Familial meningioma. Also called: Meningioma, familial, susceptibility to. Identifiers: Orphanet 263662, MedGen C3551915, MONDO:0011789, OMIM 607174.

Allele frequency attached by ClinVar (database versions not stated): gnomAD exomes 0.00001 and 0.00006; gnomAD 0.00010 and 0.00011; TOPMed 0.00013.
gnomAD v4.1: 34 of 1,613,972 alleles (0.0021%); highest among the groups gnomAD compares: Admixed American, 0.043%; no homozygotes.

Submissions (3):

Labcorp Genetics (formerly Invitae), Labcorp
Classification: Uncertain significance for Gorlin syndrome; Medulloblastoma. Last evaluated: 2025-02-26. Review status: criteria provided, single submitter. Criteria: Invitae Variant Classification Sherloc (09022015). Collection method: clinical testing. Allele origin: germline.
Comment: This sequence change replaces asparagine, which is neutral and polar, with serine, which is neutral and polar, at codon 374 of the SUFU protein (p.Asn374Ser). This variant is present in population databases (no rsID available, gnomAD 0.03%). This variant has not been reported in the literature in individuals affected with SUFU-related conditions. ClinVar contains an entry for this variant (Variation ID: 965095). Invitae Evidence Modeling of protein sequence and biophysical properties (such as structural, functional, and spatial information, amino acid conservation, physicochemical variation, residue mobility, and thermodynamic stability) indicates that this missense variant is not expected to disrupt SUFU protein function with a negative predictive value of 80%. In summary, the available evidence is currently insufficient to determine the role of this variant in disease. Therefore, it has been classified as a Variant of Uncertain Significance.

Ambry Genetics
Classification: Benign for Hereditary cancer-predisposing syndrome. Last evaluated: 2024-03-23. Review status: criteria provided, single submitter. Criteria: Ambry Variant Classification Scheme 2023. Collection method: clinical testing. Allele origin: germline.

Baylor Genetics
Classification: Uncertain significance for Familial meningioma. Last evaluated: 2023-10-31. Review status: criteria provided, single submitter. Criteria: ACMG Guidelines, 2015. Collection method: clinical testing. Allele origin: unknown.